The following is an entry in ClinVar:

ClinVar aggregate classification (germline): Uncertain significance (1 of 4 stars; one submission).

Submission:

Labcorp Genetics (formerly Invitae), Labcorp
Classification: Uncertain significance. Last evaluated: 2024-05-06. Review status: criteria provided, single submitter. Criteria: Invitae Variant Classification Sherloc (09022015). Collection method: clinical testing. Allele origin: germline.
Comment: This sequence change replaces alanine, which is neutral and non-polar, with threonine, which is neutral and polar, at codon 1782 of the SPTBN2 protein (p.Ala1782Thr). This variant is not present in population databases (gnomAD no frequency). This variant has not been reported in the literature in individuals affected with SPTBN2-related conditions. Advanced modeling of protein sequence and biophysical properties (such as structural, functional, and spatial information, amino acid conservation, physicochemical variation, residue mobility, and thermodynamic stability) performed at Invitae indicates that this missense variant is not expected to disrupt SPTBN2 protein function with a negative predictive value of 80%. In summary, the available evidence is currently insufficient to determine the role of this variant in disease. Therefore, it has been classified as a Variant of Uncertain Significance.

NM_006946.4(SPTBN2):c.5344G>A (p.Ala1782Thr)

Gene: SPTBN2 (spectrin beta, non-erythrocytic 2; minus strand). Cytogenetic location: 11q13.2.
Variant type: single nucleotide variant.
Coding change: c.5344G>A on transcript NM_006946.4 (MANE Select); coding-DNA position 5344, G replaced by A.
Protein change: p.Ala1782Thr; replaces alanine 1782 with threonine.
Molecular consequence: missense variant.
Genome position (GRCh38, 1-based): chr11:66,691,505, C>T on the plus strand (G>A on the coding strand, the complement: SPTBN2 is on the minus strand). VCF-style: chr11-66691505-C-T. GRCh37 (hg19) VCF-style: chr11-66458976-C-T.
Other names: c.5365G>A, p.Ala1789Thr (NM_001411025.1); short protein forms A1789T, A1782T.
Identifiers: ClinVar variation 2801941 (VCV002801941.3), dbSNP rs755038046, ClinGen allele CA381465471.